The following is an entry in ClinVar:

NM_152393.4(KLHL40):c.599G>A (p.Arg200Gln)

Gene: KLHL40 (kelch like family member 40; plus strand). Cytogenetic location: 3p22.1.
Variant type: single nucleotide variant.
Coding change: c.599G>A on transcript NM_152393.4 (MANE Select); coding-DNA position 599, G replaced by A.
Protein change: p.Arg200Gln; replaces arginine 200 with glutamine.
Molecular consequence: missense variant.
Genome position (GRCh38, 1-based): chr3:42,686,217, G>A. VCF-style: chr3-42686217-G-A. GRCh37 (hg19) VCF-style: chr3-42727709-G-A.
Other names: c.599G>A (NM_152393.2); short protein forms R200Q.
Identifiers: ClinVar variation 1420107 (VCV001420107.9), dbSNP rs1402508999, ClinGen allele CA352290005.

ClinVar aggregate classification (germline): Uncertain significance. Review status: criteria provided, multiple submitters, no conflicts (2 of 4 stars). 2 submissions from 2 submitters: Uncertain significance (2). Last evaluated 2024-11-11.

Conditions:
Inborn genetic diseases. Identifiers: MedGen C0950123, MeSH D030342.
Nemaline myopathy 8 (NEM8). Also called: Nemaline myopathy 8, autosomal recessive. Identifiers: Orphanet 171430, MedGen C3809209, MONDO:0014138, OMIM 615348.

Submissions (2):

Labcorp Genetics (formerly Invitae), Labcorp
Classification: Uncertain significance for Nemaline myopathy 8. Last evaluated: 2024-11-11. Review status: criteria provided, single submitter. Criteria: Invitae Variant Classification Sherloc (09022015). Collection method: clinical testing. Allele origin: germline.
Comment: This sequence change replaces arginine, which is basic and polar, with glutamine, which is neutral and polar, at codon 200 of the KLHL40 protein (p.Arg200Gln). The frequency data for this variant in the population databases is considered unreliable, as metrics indicate poor data quality at this position in the gnomAD database. This variant has not been reported in the literature in individuals affected with KLHL40-related conditions. ClinVar contains an entry for this variant (Variation ID: 1420107). Invitae Evidence Modeling of protein sequence and biophysical properties (such as structural, functional, and spatial information, amino acid conservation, physicochemical variation, residue mobility, and thermodynamic stability) indicates that this missense variant is not expected to disrupt KLHL40 protein function with a negative predictive value of 80%. In summary, the available evidence is currently insufficient to determine the role of this variant in disease. Therefore, it has been classified as a Variant of Uncertain Significance.

Ambry Genetics
Classification: Uncertain significance for Inborn genetic diseases. Last evaluated: 2024-04-19. Review status: criteria provided, single submitter. Criteria: Ambry Variant Classification Scheme 2023. Collection method: clinical testing. Allele origin: germline.